The following is an entry in ClinVar:

ClinVar aggregate classification (germline): Uncertain significance (1 of 4 stars; one submission).

Submission:

GeneDx
Classification: Uncertain significance. Last evaluated: 2026-01-29. Review status: criteria provided, single submitter. Criteria: GeneDx Variant Classification Process June 2021. Collection method: clinical testing. Allele origin: germline.
Comment: Not observed at significant frequency in large population cohorts (gnomAD); In silico analysis suggests that this missense variant does not alter protein structure/function; Has not been previously published as pathogenic or benign to our knowledge.

NM_022552.5(DNMT3A):c.2449G>C (p.Glu817Gln)

Gene: DNMT3A (DNA methyltransferase 3 alpha; minus strand). Cytogenetic location: 2p23.3.
Variant type: single nucleotide variant.
Coding change: c.2449G>C on transcript NM_022552.5 (MANE Select); coding-DNA position 2449, G replaced by C.
Protein change: p.Glu817Gln; replaces glutamic acid 817 with glutamine.
Molecular consequence: missense variant. On other transcripts: non-coding transcript variant (1).
Genome position (GRCh38, 1-based): chr2:25,236,965, C>G on the plus strand (G>C on the coding strand, the complement: DNMT3A is on the minus strand). VCF-style: chr2-25236965-C-G. GRCh37 (hg19) VCF-style: chr2-25459834-C-G.
Other names: c.1993G>C, p.Glu665Gln (NM_001320893.1); c.1780G>C, p.Glu594Gln (NM_001375819.1); c.1882G>C, p.Glu628Gln (NM_153759.3); c.2449G>C, p.Glu817Gln (NM_175629.2); short protein forms E594Q, E628Q, E665Q, E817Q.
Identifiers: ClinVar variation 4975874 (VCV004975874.1).